The following is an entry in ClinVar:

ClinVar aggregate classification (germline): Likely pathogenic (1 of 4 stars; one submission).

Conditions:
Familial intrahepatic cholestasis. Identifiers: Orphanet 284385, MedGen CN296401, MONDO:0017290.

gnomAD v4.1: 1 of 1,559,112 alleles (0.000064%); highest among the groups gnomAD compares: Non-Finnish European, 0.000087%; no homozygotes.

Submission:

Genomenon, Inc
Classification: Likely pathogenic for Familial intrahepatic cholestasis. Last evaluated: 2026-04-14. Review status: criteria provided, single submitter. Criteria: Genomenon Sequence Variant Interpretation Standards - Updated. Collection method: curation. Allele origin: germline. Affected: yes.
Comment: ATP8B1 p.Leu1185Ter (c.3554T>A) is a nonsense variant that introduces a premature stop codon at amino acid position 1185, creating a truncated protein. This variant has been observed in at least one proband with features of ATP8B1-deficiency (PMID:40851490). It is absent or not present at a significant frequency in gnomAD. In conclusion, we classify ATP8B1 p.Leu1185Ter (c.3554T>A) as a likely pathogenic variant.

Literature cited by the submitters: PubMed 40851490.

NM_001374385.1(ATP8B1):c.3554T>A (p.Leu1185Ter)

Genes: ATP8B1 (ATPase phospholipid transporting 8B1; minus strand), ATP8B1-AS1 (ATP8B1 antisense RNA 1; plus strand). Cytogenetic location: 18q21.31.
Variant type: single nucleotide variant.
Coding change: c.3554T>A on transcript NM_001374385.1 (MANE Select); coding-DNA position 3554, T replaced by A.
Protein change: p.Leu1185Ter; replaces leucine 1185 with a stop codon.
Molecular consequence: nonsense.
Genome position (GRCh38, 1-based): chr18:57,648,690, A>T on the plus strand (T>A on the coding strand, the complement: ATP8B1 is on the minus strand). VCF-style: chr18-57648690-A-T. GRCh37 (hg19) VCF-style: chr18-55315922-A-T.
Other names: c.3404T>A, p.Leu1135Ter (NM_001374386.1); c.3554T>A, p.Leu1185Ter (NM_005603.6); short protein forms L1135*, L1185*.
Identifiers: ClinVar variation 4846248 (VCV004846248.1).